The following is an entry in ClinVar:

ClinVar aggregate classification (germline): Uncertain significance (1 of 4 stars; one submission).

Submission:

GeneDx
Classification: Uncertain significance. Last evaluated: 2020-08-04. Review status: criteria provided, single submitter. Criteria: GeneDx Variant Classification Process June 2021. Collection method: clinical testing. Allele origin: germline. Affected: yes.
Comment: Not observed in large population cohorts (Lek et al., 2016); In silico analysis supports that this missense variant has a deleterious effect on protein structure/function; Has not been previously published as pathogenic or benign to our knowledge

NM_000719.7(CACNA1C):c.2584C>T (p.Leu862Phe)

Gene: CACNA1C (calcium voltage-gated channel subunit alpha1 C; plus strand). Cytogenetic location: 12p13.33.
Variant type: single nucleotide variant.
Coding change: c.2584C>T on transcript NM_000719.7 (MANE Select); coding-DNA position 2584, C replaced by T.
Protein change: p.Leu862Phe; replaces leucine 862 with phenylalanine.
Molecular consequence: missense variant.
Genome position (GRCh38, 1-based): chr12:2,593,266, C>T. VCF-style: chr12-2593266-C-T. GRCh37 (hg19) VCF-style: chr12-2702432-C-T.
Other names: c.2584C>T, p.Leu862Phe (NM_001129827.2, NM_001129829.2, NM_001129830.3 and 18 more transcripts); c.2575C>T, p.Leu859Phe (NM_001129844.2); short protein forms L859F, L862F.
Identifiers: ClinVar variation 1193537 (VCV001193537.2), dbSNP rs2153339402, ClinGen allele CA383372169.
Genomic context (GRCh38, chr12:2,593,266, plus strand): 5'-CTTACAGGAGAAGAGGATGAGGAGGAGCCAGAGATGCCTGTCGGCCCTCGCCCACGACCA[C>T]TCTCTGAGCTTCACCTTAAGGAAAAGGCAGTGCCCATGCCAGAAGCCAGCGCGTTTTTCA-3'
Protein context (NP_000710.5, residues 852-872): EMPVGPRPRP[Leu862Phe]SELHLKEKAV